The following is an entry in ClinVar:

NM_006231.4(POLE):c.4175A>G (p.Asn1392Ser)

Gene: POLE (DNA polymerase epsilon, catalytic subunit; minus strand). Cytogenetic location: 12q24.33.
Variant type: single nucleotide variant.
Coding change: c.4175A>G on transcript NM_006231.4 (MANE Select); coding-DNA position 4175, A replaced by G.
Protein change: p.Asn1392Ser; replaces asparagine 1392 with serine.
Molecular consequence: missense variant.
Genome position (GRCh38, 1-based): chr12:132,643,952, T>C on the plus strand (A>G on the coding strand, the complement: POLE is on the minus strand). VCF-style: chr12-132643952-T-C. GRCh37 (hg19) VCF-style: chr12-133220538-T-C.
Other names: c.4175A>G (NM_006231.2); short protein forms N1392S.
Identifiers: ClinVar variation 1480503 (VCV001480503.9), dbSNP rs755971358, ClinGen allele CA6892955.

ClinVar aggregate classification (germline): Uncertain significance. Review status: criteria provided, multiple submitters, no conflicts (2 of 4 stars). 2 submissions from 2 submitters: Uncertain significance (2). Last evaluated 2025-04-17.

Conditions:
Hereditary cancer-predisposing syndrome. Also called: Tumor predisposition; Hereditary Cancer Syndrome; Hereditary neoplastic syndrome; Neoplastic Syndromes, Hereditary. Identifiers: Orphanet 140162, MedGen C0027672, MeSH D009386, MONDO:0015356.

Allele frequency attached by ClinVar (database versions not stated): gnomAD exomes below 0.00001; TOPMed below 0.00001; ExAC 0.00001.

Submissions (2):

Labcorp Genetics (formerly Invitae), Labcorp
Classification: Uncertain significance. Last evaluated: 2025-04-17. Review status: criteria provided, single submitter. Criteria: Invitae Variant Classification Sherloc (09022015). Collection method: clinical testing. Allele origin: germline.
Comment: This sequence change replaces asparagine, which is neutral and polar, with serine, which is neutral and polar, at codon 1392 of the POLE protein (p.Asn1392Ser). This variant is present in population databases (rs755971358, gnomAD 0.0009%). This variant has not been reported in the literature in individuals affected with POLE-related conditions. ClinVar contains an entry for this variant (Variation ID: 1480503). Invitae Evidence Modeling of protein sequence and biophysical properties (such as structural, functional, and spatial information, amino acid conservation, physicochemical variation, residue mobility, and thermodynamic stability) indicates that this missense variant is not expected to disrupt POLE protein function with a negative predictive value of 80%. In summary, the available evidence is currently insufficient to determine the role of this variant in disease. Therefore, it has been classified as a Variant of Uncertain Significance.

Ambry Genetics
Classification: Uncertain significance for Hereditary cancer-predisposing syndrome. Last evaluated: 2025-02-06. Review status: criteria provided, single submitter. Criteria: Ambry Variant Classification Scheme 2023. Collection method: clinical testing. Allele origin: germline.
Comment: The p.N1392S variant (also known as c.4175A>G), located in coding exon 33 of the POLE gene, results from an A to G substitution at nucleotide position 4175. The asparagine at codon 1392 is replaced by serine, an amino acid with highly similar properties. This amino acid position is well conserved in available vertebrate species. In addition, this alteration is predicted to be tolerated by in silico analysis. Based on the available evidence, the clinical significance of this variant remains unclear.